The following is an entry in ClinVar:

NM_000038.6(APC):c.2636A>G (p.Gln879Arg)

Gene: APC (APC regulator of Wnt signaling pathway; plus strand). Cytogenetic location: 5q22.2.
Variant type: single nucleotide variant.
Coding change: c.2636A>G on transcript NM_000038.6 (MANE Select); coding-DNA position 2636, A replaced by G.
Protein change: p.Gln879Arg; replaces glutamine 879 with arginine.
Molecular consequence: missense variant.
Genome position (GRCh38, 1-based): chr5:112,838,230, A>G. VCF-style: chr5-112838230-A-G. GRCh37 (hg19) VCF-style: chr5-112173927-A-G.
Other names: c.2636A>G, p.Gln879Arg (NM_001127510.3, NM_001354895.2); c.2582A>G, p.Gln861Arg (NM_001127511.3); c.2690A>G, p.Gln897Arg (NM_001354896.2); c.2666A>G, p.Gln889Arg (NM_001354897.2); c.2561A>G, p.Gln854Arg (NM_001354898.2); c.2552A>G, p.Gln851Arg (NM_001354899.2); c.2513A>G, p.Gln838Arg (NM_001354900.2); c.2459A>G, p.Gln820Arg (NM_001354901.2); and 5 more; short protein forms Q596R, Q719R, Q753R, Q778R, Q788R, Q820R, Q838R, Q851R.
Identifiers: ClinVar variation 1171290 (VCV001171290.5), dbSNP rs2149874185, ClinGen allele CA16027096.

ClinVar aggregate classification (germline): Uncertain significance. Review status: criteria provided, multiple submitters, no conflicts (2 of 4 stars). 2 submissions from 2 submitters: Uncertain significance (2). Last evaluated 2023-03-01.

Conditions:
Hereditary cancer-predisposing syndrome. Also called: Tumor predisposition; Hereditary neoplastic syndrome; Hereditary Cancer Syndrome; Neoplastic Syndromes, Hereditary. Identifiers: Orphanet 140162, MedGen C0027672, MeSH D009386, MONDO:0015356.
Familial adenomatous polyposis 1 (FAP1). Also called: FAMILIAL ADENOMATOUS POLYPOSIS 1, ATTENUATED; POLYPOSIS, ADENOMATOUS INTESTINAL. Identifiers: MedGen C2713442, MONDO:0021056, OMIM 175100. Disease mechanism: loss of function.

Submissions (2):

Labcorp Genetics (formerly Invitae), Labcorp
Classification: Uncertain significance for Familial adenomatous polyposis 1. Last evaluated: 2023-03-01. Review status: criteria provided, single submitter. Criteria: Invitae Variant Classification Sherloc (09022015). Collection method: clinical testing. Allele origin: germline.
Comment: This sequence change replaces glutamine, which is neutral and polar, with arginine, which is basic and polar, at codon 879 of the APC protein (p.Gln879Arg). This variant is not present in population databases (gnomAD no frequency). This variant has not been reported in the literature in individuals affected with APC-related conditions. ClinVar contains an entry for this variant (Variation ID: 1171290). Advanced modeling of protein sequence and biophysical properties (such as structural, functional, and spatial information, amino acid conservation, physicochemical variation, residue mobility, and thermodynamic stability) performed at Invitae indicates that this missense variant is not expected to disrupt APC protein function. In summary, the available evidence is currently insufficient to determine the role of this variant in disease. Therefore, it has been classified as a Variant of Uncertain Significance.

Color Diagnostics, LLC DBA Color Health
Classification: Uncertain significance for Hereditary cancer-predisposing syndrome. Last evaluated: 2021-01-19. Review status: criteria provided, single submitter. Criteria: ACMG Guidelines, 2015. Collection method: clinical testing. Allele origin: germline.
Comment: This missense variant replaces glutamine with arginine at codon 879 of the APC protein. Computational prediction suggests that this variant may not impact protein structure and function (internally defined REVEL score threshold <= 0.5, PMID: 27666373). To our knowledge, functional studies have not been reported for this variant. This variant has not been reported in individuals affected with hereditary cancer in the literature. This variant has not been identified in the general population by the Genome Aggregation Database (gnomAD). The available evidence is insufficient to determine the role of this variant in disease conclusively. Therefore, this variant is classified as a Variant of Uncertain Significance.